The following is an entry in ClinVar:

NM_001386393.1(PANK2):c.434A>G (p.Asn145Ser)

Gene: PANK2 (pantothenate kinase 2; plus strand). Cytogenetic location: 20p13.
Variant type: single nucleotide variant.
Coding change: c.434A>G on transcript NM_001386393.1 (MANE Select); coding-DNA position 434, A replaced by G.
Protein change: p.Asn145Ser; replaces asparagine 145 with serine.
Molecular consequence: missense variant. On other transcripts: 5 prime UTR variant (4), non-coding transcript variant (1).
Genome position (GRCh38, 1-based): chr20:3,908,061, A>G. VCF-style: chr20-3908061-A-G. GRCh37 (hg19) VCF-style: chr20-3888708-A-G.
Other names: c.-110A>G (NM_024960.6, NM_153640.4, NM_001324191.2); c.764A>G, p.Asn255Ser (NM_153638.4, NM_001324192.1); c.764A>G (NM_153638.2); c.-402A>G (NM_001324193.2); short protein forms N145S, N255S.
Identifiers: ClinVar variation 1347530 (VCV001347530.6), dbSNP rs143474105, ClinGen allele CA9750690.

ClinVar aggregate classification (germline): Uncertain significance. Review status: criteria provided, multiple submitters, no conflicts (2 of 4 stars). 2 submissions from 2 submitters: Uncertain significance (2). Last evaluated 2022-08-17.

Conditions:
Inborn genetic diseases. Identifiers: MedGen C0950123, MeSH D030342.
Pigmentary pallidal degeneration (NBIA1). Also called: Neuroaxonal dystrophy, late infantile; Hallervorden-Spatz disease; Neurodegeneration with brain iron accumulation 1; PKAN NEUROAXONAL DYSTROPHY, JUVENILE-ONSET; HARP SYNDROME; Pantothenate Kinase-Associated Neurodegeneration. Identifiers: Orphanet 157850, MedGen C0018523, MONDO:0009319, OMIM 234200.

Allele frequency attached by ClinVar (database versions not stated): ExAC 0.00001; gnomAD 0.00005; TOPMed 0.00007; ESP Exome Variant Server 0.00008.
gnomAD v4.1: 48 of 1,614,068 alleles (0.003%); highest among the groups gnomAD compares: African/African-American, 0.008%; no homozygotes.

Submissions (2):

Ambry Genetics
Classification: Uncertain significance for Inborn genetic diseases. Last evaluated: 2022-08-17. Review status: criteria provided, single submitter. Criteria: Ambry Variant Classification Scheme 2023. Collection method: clinical testing. Allele origin: germline.

Labcorp Genetics (formerly Invitae), Labcorp
Classification: Uncertain significance for Pigmentary pallidal degeneration. Last evaluated: 2021-09-01. Review status: criteria provided, single submitter. Criteria: Invitae Variant Classification Sherloc (09022015). Collection method: clinical testing. Allele origin: germline.
Comment: This sequence change replaces asparagine with serine at codon 255 of the PANK2 protein (p.Asn255Ser). The asparagine residue is highly conserved and there is a small physicochemical difference between asparagine and serine. This variant is present in population databases (rs143474105, ExAC 0.01%). This variant has not been reported in the literature in individuals affected with PANK2-related conditions. Algorithms developed to predict the effect of missense changes on protein structure and function are either unavailable or do not agree on the potential impact of this missense change (SIFT: "Deleterious"; PolyPhen-2: "Benign"; Align-GVGD: "Class C0"). Algorithms developed to predict the effect of sequence changes on RNA splicing suggest that this variant may create or strengthen a splice site. In summary, the available evidence is currently insufficient to determine the role of this variant in disease. Therefore, it has been classified as a Variant of Uncertain Significance.

Literature cited by the submitters: PubMed 11479594 (cited by Ambry Genetics).